The following is an entry in ClinVar:

NM_014140.4(SMARCAL1):c.2341G>A (p.Val781Met)

Gene: SMARCAL1 (SNF2 related chromatin remodeling annealing helicase 1; plus strand). Cytogenetic location: 2q35.
Variant type: single nucleotide variant.
Coding change: c.2341G>A on transcript NM_014140.4 (MANE Select); coding-DNA position 2341, G replaced by A.
Protein change: p.Val781Met; replaces valine 781 with methionine.
Molecular consequence: missense variant.
Genome position (GRCh38, 1-based): chr2:216,475,365, G>A. VCF-style: chr2-216475365-G-A. GRCh37 (hg19) VCF-style: chr2-217340088-G-A.
Other names: c.2341G>A, p.Val781Met (NM_001127207.2); short protein forms V781M.
Identifiers: ClinVar variation 958811 (VCV000958811.8), dbSNP rs745349150, ClinGen allele CA2098181.

ClinVar aggregate classification (germline): Uncertain significance. Review status: criteria provided, multiple submitters, no conflicts (2 of 4 stars). 4 submissions from 4 submitters: Uncertain significance (3). 1 of the submissions does not count toward it. Last evaluated 2024-05-01.

Conditions:
Schimke immuno-osseous dysplasia (SIOD). Also called: Schimke Immunoosseous Dysplasia. Identifiers: Orphanet 1830, MedGen C0877024, MONDO:0009458, OMIM 242900.
Inborn genetic diseases. Identifiers: MedGen C0950123, MeSH D030342.

Allele frequency attached by ClinVar (database versions not stated): TOPMed 0.00003.
gnomAD v4.1: 20 of 1,614,076 alleles (0.0012%); highest among the groups gnomAD compares: Middle Eastern, 0.016%; no homozygotes.

Submissions (4):

Fulgent Genetics
Classification: Uncertain significance for Schimke immuno-osseous dysplasia. Last evaluated: 2024-05-01. Review status: criteria provided, single submitter. Criteria: ACMG Guidelines, 2015. Collection method: clinical testing. Allele origin: germline.

Labcorp Genetics (formerly Invitae), Labcorp
Classification: Uncertain significance for Schimke immuno-osseous dysplasia. Last evaluated: 2022-07-25. Review status: criteria provided, single submitter. Criteria: Invitae Variant Classification Sherloc (09022015). Collection method: clinical testing. Allele origin: germline.
Comment: This sequence change replaces valine, which is neutral and non-polar, with methionine, which is neutral and non-polar, at codon 781 of the SMARCAL1 protein (p.Val781Met). This variant is present in population databases (rs745349150, gnomAD 0.003%). This variant has not been reported in the literature in individuals affected with SMARCAL1-related conditions. ClinVar contains an entry for this variant (Variation ID: 958811). Algorithms developed to predict the effect of missense changes on protein structure and function are either unavailable or do not agree on the potential impact of this missense change (SIFT: "Deleterious"; PolyPhen-2: "Probably Damaging"; Align-GVGD: "Class C0"). In summary, the available evidence is currently insufficient to determine the role of this variant in disease. Therefore, it has been classified as a Variant of Uncertain Significance.

Ambry Genetics
Classification: Uncertain significance for Inborn genetic diseases. Last evaluated: 2022-03-29. Review status: criteria provided, single submitter. Criteria: Ambry Variant Classification Scheme 2023. Collection method: clinical testing. Allele origin: germline.

Natera, Inc.
Classification: Uncertain significance for Schimke immuno-osseous dysplasia. Last evaluated: 2020-01-17. Review status: no assertion criteria provided. Collection method: clinical testing. Allele origin: germline. Not counted in ClinVar's aggregate classification.